The following is an entry in ClinVar:

ClinVar aggregate classification (germline): Likely benign. Review status: criteria provided, multiple submitters, no conflicts (2 of 4 stars). 2 submissions from 2 submitters: Likely benign (2). Last evaluated 2026-02-03.

Conditions:
Charcot-Marie-Tooth disease axonal type 2F (CMT2F). Also called: Charcot-Marie-Tooth Neuropathy Type 2F; CHARCOT-MARIE-TOOTH DISEASE, NEURONAL, TYPE 2F. Identifiers: Orphanet 99940, MedGen C1847823, MONDO:0011687, OMIM 606595.
HSPB1-related disorder. Also called: HSPB1-related disorders; HSPB1-related condition.

Submissions (2):

PreventionGenetics, part of Exact Sciences
Classification: Likely benign for HSPB1-related condition. Last evaluated: 2026-02-03. Review status: criteria provided, single submitter. Criteria: ACMG Guidelines, 2015. Collection method: clinical testing. Allele origin: germline.
Comment: This variant is classified as likely benign based on ACMG/AMP sequence variant interpretation guidelines (Richards et al. 2015 PMID: 25741868, with internal and published modifications).

Labcorp Genetics (formerly Invitae), Labcorp
Classification: Likely benign for Charcot-Marie-Tooth disease axonal type 2F. Last evaluated: 2024-06-05. Review status: criteria provided, single submitter. Criteria: Invitae Variant Classification Sherloc (09022015). Collection method: clinical testing. Allele origin: germline.

NM_001540.5(HSPB1):c.365-5del

Gene: HSPB1 (heat shock protein family B (small) member 1; plus strand). Cytogenetic location: 7q11.23.
Variant type: Deletion.
Coding change: c.365-5del on transcript NM_001540.5 (MANE Select); 5 bases into the intron before coding-DNA position 365, one base deleted (C; older notation c.365-5delC).
Molecular consequence: intron variant.
Genome position (GRCh38, 1-based): chr7:76,303,797, C deleted; the last of 6 consecutive C bases (chr7:76,303,792-76,303,797); deleting any one gives the same sequence. VCF-style (leftmost placement, unchanged base first): chr7-76303791-TC-T. GRCh37 (hg19) VCF-style: chr7-75933108-TC-T.
Other names: c.365-5delC (NM_001540.3).
Identifiers: ClinVar variation 700600 (VCV000700600.11), dbSNP rs759570569, ClinGen allele CA4306353.